The following is an entry in ClinVar:

NM_001267550.2(TTN):c.25640-82A>G

Gene: TTN (titin; minus strand). Cytogenetic location: 2q31.2.
Variant type: single nucleotide variant.
Coding change: c.25640-82A>G on transcript NM_001267550.2 (MANE Select); 82 bases into the intron before coding-DNA position 25640, A replaced by G.
Molecular consequence: intron variant.
Genome position (GRCh38, 1-based): chr2:178,715,856, T>C on the plus strand (A>G on the coding strand, the complement: TTN is on the minus strand). VCF-style: chr2-178715856-T-C. GRCh37 (hg19) VCF-style: chr2-179580583-T-C.
Other names: c.13282+22226A>G (NM_003319.4); c.13858+22226A>G (NM_133437.4); c.13657+22226A>G (NM_133432.3); c.21908-82A>G (NM_133378.4); c.24689-82A>G (NM_001256850.1).
Identifiers: ClinVar variation 673090 (VCV000673090.2), dbSNP rs2562834, ClinGen allele CA60969385.
Genomic context (GRCh38, chr2:178,715,856, plus strand): 5'-CACAGGGTAAGGGATGGAACAGATGCATATAATTCAAGATGAGGTGGAAAAAATAATCTT[T>C]GCTAGAGAGGTCTTTAGCTCTGGAAAACAAATTTATGCAGTTCAAGGAAGAAGAGTTAAA-3'

ClinVar aggregate classification (germline): Benign. Review status: criteria provided, multiple submitters, no conflicts (2 of 4 stars). 2 submissions from 2 submitters: Benign (2). Last evaluated 2018-06-15.

Allele frequency attached by ClinVar (database versions not stated): gnomAD exomes 0.19587; gnomAD 0.20683 and 0.21231; TOPMed 0.22401; 1000 Genomes Project 30x 0.31699; 1000 Genomes Project 0.32268.
gnomAD v4.1: 275,477 of 1,388,512 alleles (20%); highest among the groups gnomAD compares: East Asian, 63%; 31,957 homozygotes.

Submissions (2):

GeneDx
Classification: Benign. Last evaluated: 2018-06-15. Review status: criteria provided, single submitter. Criteria: GeneDx Variant Classification (06012015). Collection method: clinical testing. Allele origin: germline. Affected: yes.
Comment: This variant is considered likely benign or benign based on one or more of the following criteria: it is a conservative change, it occurs at a poorly conserved position in the protein, it is predicted to be benign by multiple in silico algorithms, and/or has population frequency not consistent with disease.

Breakthrough Genomics
Classification: Benign. Review status: criteria provided, single submitter. Criteria: ACMG Guidelines, 2015. Collection method: not provided. Allele origin: germline. Inheritance: Autosomal recessive inheritance. Affected: yes.